The following is an entry in ClinVar:

GRCh38/hg38 17p13.2(chr17:3602759-3752448)x3

Genes: P2RX5 (purinergic receptor P2X 5; minus strand), P2RX5-TAX1BP3 (P2RX5-TAX1BP3 readthrough (NMD candidate); minus strand), SHPK (sedoheptulokinase; minus strand), CTNS (cystinosin, lysosomal cystine transporter; plus strand), CTNS-AS1 (CTNS antisense RNA 1; minus strand) and 17 more. Cytogenetic location: 17p13.2.
Variant type: copy number gain.
Change: copy number 3 (three copies instead of two) of chr17:3,602,759-3,752,448 (149.7 kb, GRCh38 coordinates, 1-based), cytogenetic band 17p13.2.
Identifiers: ClinVar variation 4796420 (VCV004796420.1).

ClinVar aggregate classification (germline): Uncertain significance (1 of 4 stars; one submission).

Submission:

Medical Genetic Center, Changzhi Maternal and Child Health Care Hospital
Classification: Uncertain significance. Last evaluated: 2025-12-10. Review status: criteria provided, single submitter. Criteria: ACMG/ClinGen CNV Guidelines, 2019. Collection method: clinical testing. Allele origin: unknown.
Comment: 1A(0)+3A(0):SHPK,CTNS dupliation